The following is an entry in ClinVar:

ClinVar aggregate classification (germline): Likely pathogenic (1 of 4 stars; one submission).

Conditions:
Dilated cardiomyopathy 1G (CMD1G). Identifiers: Orphanet 154, MedGen C1858763, MONDO:0011400, OMIM 604145.
Autosomal recessive limb-girdle muscular dystrophy type 2J (LGMDR10). Also called: Limb-girdle muscular dystrophy, type 2J; MUSCULAR DYSTROPHY, LIMB-GIRDLE, AUTOSOMAL RECESSIVE 10. Identifiers: Orphanet 140922, MedGen C1837342, MONDO:0012127, OMIM 608807.

Submission:

Labcorp Genetics (formerly Invitae), Labcorp
Classification: Likely pathogenic for Dilated cardiomyopathy 1G; Autosomal recessive limb-girdle muscular dystrophy type 2J. Last evaluated: 2021-04-08. Review status: criteria provided, single submitter. Criteria: Invitae Variant Classification Sherloc (09022015). Collection method: clinical testing. Allele origin: germline.
Comment: In summary, the currently available evidence indicates that the variant is pathogenic, but additional data are needed to prove that conclusively. Therefore, this variant has been classified as Likely Pathogenic. This variant is located in the A band of TTN (PMID: 25589632). Truncating variants in this region are significantly overrepresented in patients affected with dilated cardiomyopathy (PMID: 25589632). Truncating variants in this region have also been reported in individuals affected with autosomal recessive centronuclear myopathy (PMID: 23975875). This variant has been observed in individual(s) with clinical features of dilated cardiomyopathy (PMID: 31317183, Invitae). This variant is also known as c.55931G>A (p.Trp18644*). This variant is not present in population databases (ExAC no frequency). This sequence change creates a premature translational stop signal (p.Trp27709*) in the TTN gene. While this is not anticipated to result in nonsense mediated decay, it is expected to disrupt the last 8283 amino acid(s) of the TTN protein.

Literature cited by the submitters: PubMed 25589632; PubMed 23975875; PubMed 31317183.

NM_001267550.2(TTN):c.83126G>A (p.Trp27709Ter)

Genes: TTN (titin; minus strand), TTN-AS1 (TTN antisense RNA 1; plus strand). Cytogenetic location: 2q31.2.
Variant type: single nucleotide variant.
Coding change: c.83126G>A on transcript NM_001267550.2 (MANE Select); coding-DNA position 83126, G replaced by A.
Protein change: p.Trp27709Ter; replaces tryptophan 27709 with a stop codon.
Molecular consequence: nonsense.
Genome position (GRCh38, 1-based): chr2:178,563,006, C>T on the plus strand (G>A on the coding strand, the complement: TTN is on the minus strand). VCF-style: chr2-178563006-C-T. GRCh37 (hg19) VCF-style: chr2-179427733-C-T.
Other names: c.78203G>A, p.Trp26068Ter (NM_001256850.1); c.55931G>A, p.Trp18644Ter (NM_003319.4); c.75422G>A, p.Trp25141Ter (NM_133378.4); c.56306G>A, p.Trp18769Ter (NM_133432.3); c.56507G>A, p.Trp18836Ter (NM_133437.4); short protein forms W26068*, W27709*, W18644*, W25141*, W18769*, W18836*.
Identifiers: ClinVar variation 1513810 (VCV001513810.10), dbSNP rs2154161090, ClinGen allele CA349569287.